The following is an entry in ClinVar:

NM_000264.5(PTCH1):c.814A>G (p.Asn272Asp)

Gene: PTCH1 (patched 1; minus strand). Cytogenetic location: 9q22.32.
Variant type: single nucleotide variant.
Coding change: c.814A>G on transcript NM_000264.5 (MANE Select); coding-DNA position 814, A replaced by G.
Protein change: p.Asn272Asp; replaces asparagine 272 with aspartic acid.
Molecular consequence: missense variant. On other transcripts: non-coding transcript variant (1).
Genome position (GRCh38, 1-based): chr9:95,480,521, T>C on the plus strand (A>G on the coding strand, the complement: PTCH1 is on the minus strand). VCF-style: chr9-95480521-T-C. GRCh37 (hg19) VCF-style: chr9-98242803-T-C.
Other names: c.616A>G, p.Asn206Asp (NM_001083602.3); c.811A>G, p.Asn271Asp (NM_001083603.3); c.361A>G, p.Asn121Asp (NM_001083604.3, NM_001083605.3, NM_001083606.3 and 1 more transcripts); c.814A>G, p.Asn272Asp (NM_001354918.2); short protein forms N271D, N206D, N121D, N272D.
Identifiers: ClinVar variation 1910564 (VCV001910564.6), dbSNP rs774476280, ClinGen allele CA5138836.

ClinVar aggregate classification (germline): Conflicting classifications of pathogenicity. Review status: criteria provided, conflicting classifications (1 of 4 stars). 2 submissions from 2 submitters: Uncertain significance (1); Likely benign (1). Last evaluated 2025-09-24.

Conditions:
Hereditary cancer-predisposing syndrome. Also called: Neoplastic Syndromes, Hereditary; Tumor predisposition; Hereditary neoplastic syndrome; Hereditary Cancer Syndrome. Identifiers: Orphanet 140162, MedGen C0027672, MeSH D009386, MONDO:0015356.
Gorlin syndrome. Also called: Basal cell nevus syndrome; Nevoid Basal Cell Carcinoma Syndrome. Identifiers: Orphanet 377, MedGen C0004779, MONDO:0007187.

Allele frequency attached by ClinVar (database versions not stated): ExAC 0.00001.
gnomAD v4.1: 6 of 1,613,578 alleles (0.00037%); highest among the groups gnomAD compares: Non-Finnish European, 0.00051%; no homozygotes.

Submissions (2):

Labcorp Genetics (formerly Invitae), Labcorp
Classification: Likely benign for Gorlin syndrome. Last evaluated: 2025-09-24. Review status: criteria provided, single submitter. Criteria: Invitae Variant Classification Sherloc (09022015). Collection method: clinical testing. Allele origin: germline.

Ambry Genetics
Classification: Uncertain significance for Hereditary cancer-predisposing syndrome. Last evaluated: 2024-05-10. Review status: criteria provided, single submitter. Criteria: Ambry Variant Classification Scheme 2023. Collection method: clinical testing. Allele origin: germline.
Comment: The p.N272D variant (also known as c.814A>G), located in coding exon 6 of the PTCH1 gene, results from an A to G substitution at nucleotide position 814. The asparagine at codon 272 is replaced by aspartic acid, an amino acid with highly similar properties. This amino acid position is conserved. In addition, this alteration is predicted to be tolerated by in silico analysis. Based on the available evidence, the clinical significance of this variant remains unclear.